The following is an entry in ClinVar:

NM_182916.3(TRNT1):c.151T>A (p.Leu51Ile)

Gene: TRNT1 (tRNA nucleotidyl transferase 1; plus strand). Cytogenetic location: 3p26.2.
Variant type: single nucleotide variant.
Coding change: c.151T>A on transcript NM_182916.3 (MANE Select); coding-DNA position 151, T replaced by A.
Protein change: p.Leu51Ile; replaces leucine 51 with isoleucine.
Molecular consequence: missense variant. On other transcripts: non-coding transcript variant (8).
Genome position (GRCh38, 1-based): chr3:3,137,262, T>A. VCF-style: chr3-3137262-T-A. GRCh37 (hg19) VCF-style: chr3-3178946-T-A.
Other names: c.151T>A, p.Leu51Ile (NM_001302946.2, NM_001367321.1, NM_001367322.1 and 1 more transcripts); short protein forms L51I.
Identifiers: ClinVar variation 2015588 (VCV002015588.4), dbSNP rs2471280337, ClinGen allele CA351442914.

ClinVar aggregate classification (germline): Uncertain significance (1 of 4 stars; one submission).

Conditions:
Congenital sideroblastic anemia-B-cell immunodeficiency-periodic fever-developmental delay syndrome. Also called: Sideroblastic anemia with B-cell immunodeficiency, periodic fevers, and developmental delay. Identifiers: Orphanet 369861, MedGen C4015172, MONDO:0014487, OMIM 616084.

Allele frequency attached by ClinVar (database versions not stated): gnomAD exomes below 0.00001.

Submission:

Labcorp Genetics (formerly Invitae), Labcorp
Classification: Uncertain significance for Congenital sideroblastic anemia-B-cell immunodeficiency-periodic fever-developmental delay syndrome. Last evaluated: 2022-07-09. Review status: criteria provided, single submitter. Criteria: Invitae Variant Classification Sherloc (09022015). Collection method: clinical testing. Allele origin: germline.
Comment: In summary, the available evidence is currently insufficient to determine the role of this variant in disease. Therefore, it has been classified as a Variant of Uncertain Significance. Algorithms developed to predict the effect of missense changes on protein structure and function output the following: SIFT: "Tolerated"; PolyPhen-2: "Benign"; Align-GVGD: "Class C0". The isoleucine amino acid residue is found in multiple mammalian species, which suggests that this missense change does not adversely affect protein function. This variant has not been reported in the literature in individuals affected with TRNT1-related conditions. This variant is not present in population databases (gnomAD no frequency). This sequence change replaces leucine, which is neutral and non-polar, with isoleucine, which is neutral and non-polar, at codon 51 of the TRNT1 protein (p.Leu51Ile).